The following is an entry in ClinVar:

NM_013275.6(ANKRD11):c.698A>G (p.Asp233Gly)

Gene: ANKRD11 (ankyrin repeat domain containing 11; minus strand). Cytogenetic location: 16q24.3.
Variant type: single nucleotide variant.
Coding change: c.698A>G on transcript NM_013275.6 (MANE Select); coding-DNA position 698, A replaced by G.
Protein change: p.Asp233Gly; replaces aspartic acid 233 with glycine.
Molecular consequence: missense variant. On other transcripts: non-coding transcript variant (1).
Genome position (GRCh38, 1-based): chr16:89,288,574, T>C on the plus strand (A>G on the coding strand, the complement: ANKRD11 is on the minus strand). VCF-style: chr16-89288574-T-C. GRCh37 (hg19) VCF-style: chr16-89354982-T-C.
Other names: c.698A>G, p.Asp233Gly (NM_001256182.2, NM_001256183.2); short protein forms D233G.
Identifiers: ClinVar variation 2662843 (VCV002662843.1), dbSNP rs2544278775, ClinGen allele CA397166803.

ClinVar aggregate classification (germline): Uncertain significance (1 of 4 stars; one submission).

Submission:

GeneDx
Classification: Uncertain significance. Last evaluated: 2023-04-28. Review status: criteria provided, single submitter. Criteria: GeneDx Variant Classification Process June 2021. Collection method: clinical testing. Allele origin: germline. Affected: yes.
Comment: Not observed at significant frequency in large population cohorts (gnomAD); In silico analysis supports that this missense variant has a deleterious effect on protein structure/function; Has not been previously published as pathogenic or benign to our knowledge